The following is an entry in ClinVar:

ClinVar aggregate classification (germline): Likely benign. Review status: criteria provided, multiple submitters, no conflicts (2 of 4 stars). 2 submissions from 2 submitters: Likely benign (2). Last evaluated 2026-02-10.

Conditions:
TCTN3-related disorder. Also called: TCTN3-related condition.
Orofacial-digital syndrome IV (OFD4). Also called: Orofaciodigital syndrome IV; MOHR-MAJEWSKI SYNDROME; BARAITSER-BURN SYNDROME; OFD SYNDROME WITH TIBIAL DEFECTS; OFD SYNDROME, BARAITSER-BURN TYPE; OFDS IV. Identifiers: Orphanet 2753, MedGen C0406727, MONDO:0009794, OMIM 258860.
Joubert syndrome 18 (JBTS18). Identifiers: Orphanet 2754, MedGen C3553758, MONDO:0013896, OMIM 614815.

gnomAD v4.1: 3 of 1,548,786 alleles (0.00019%); highest among the groups gnomAD compares: Admixed American, 0.002%; no homozygotes.

Submissions (2):

PreventionGenetics, part of Exact Sciences
Classification: Likely benign for TCTN3-related condition. Last evaluated: 2026-02-10. Review status: criteria provided, single submitter. Criteria: ACMG Guidelines, 2015. Collection method: clinical testing. Allele origin: germline.
Comment: This variant is classified as likely benign based on ACMG/AMP sequence variant interpretation guidelines (Richards et al. 2015 PMID: 25741868, with internal and published modifications).

Labcorp Genetics (formerly Invitae), Labcorp
Classification: Likely benign for Joubert syndrome 18; Orofacial-digital syndrome IV. Last evaluated: 2025-10-10. Review status: criteria provided, single submitter. Criteria: Invitae Variant Classification Sherloc (09022015). Collection method: clinical testing. Allele origin: germline.

NM_015631.6(TCTN3):c.256+9A>G

Genes: TCTN3 (tectonic family member 3; minus strand), LOC130004408 (ATAC-STARR-seq lymphoblastoid active region 3801; plus strand). Cytogenetic location: 10q24.1.
Variant type: single nucleotide variant.
Coding change: c.256+9A>G on transcript NM_015631.6 (MANE Select); 9 bases into the intron after coding-DNA position 256, A replaced by G.
Molecular consequence: intron variant.
Genome position (GRCh38, 1-based): chr10:95,693,635, T>C on the plus strand (A>G on the coding strand, the complement: TCTN3 is on the minus strand). VCF-style: chr10-95693635-T-C. GRCh37 (hg19) VCF-style: chr10-97453392-T-C.
Other names: c.256+9A>G (NM_001143973.2, NM_001410982.1, NM_015631.5).
Identifiers: ClinVar variation 4790818 (VCV004790818.2).